The following is an entry in ClinVar:

ClinVar aggregate classification (germline): Likely benign. Review status: criteria provided, multiple submitters, no conflicts (2 of 4 stars). 2 submissions from 2 submitters: Likely benign (2). Last evaluated 2018-06-19.

Allele frequency attached by ClinVar (database versions not stated): 1000 Genomes Project 0.00899; 1000 Genomes Project 30x 0.00937; gnomAD 0.01963; TOPMed 0.02093.
gnomAD v4.1: 15,280 of 661,156 alleles (2.3%); highest among the groups gnomAD compares: Non-Finnish European, 3%; 240 homozygotes.

Submissions (2):

GeneDx
Classification: Likely benign. Last evaluated: 2018-06-19. Review status: criteria provided, single submitter. Criteria: GeneDx Variant Classification (06012015). Collection method: clinical testing. Allele origin: germline. Affected: yes.
Comment: This variant is considered likely benign or benign based on one or more of the following criteria: it is a conservative change, it occurs at a poorly conserved position in the protein, it is predicted to be benign by multiple in silico algorithms, and/or has population frequency not consistent with disease.

Breakthrough Genomics
Classification: Likely benign. Review status: criteria provided, single submitter. Criteria: ACMG Guidelines, 2015. Collection method: not provided. Allele origin: germline. Inheritance: Autosomal recessive inheritance. Affected: yes.

NM_018718.3(CEP41):c.97+128G>A

Gene: CEP41 (centrosomal protein 41; minus strand). Cytogenetic location: 7q32.2.
Variant type: single nucleotide variant.
Coding change: c.97+128G>A on transcript NM_018718.3 (MANE Select); 128 bases into the intron after coding-DNA position 97, G replaced by A.
Molecular consequence: intron variant.
Genome position (GRCh38, 1-based): chr7:130,427,827, C>T on the plus strand (G>A on the coding strand, the complement: CEP41 is on the minus strand). VCF-style: chr7-130427827-C-T. GRCh37 (hg19) VCF-style: chr7-130067668-C-T.
Other names: c.97+128G>A (NM_001257159.2, NM_001257158.2, NM_001257160.2).
Identifiers: ClinVar variation 677529 (VCV000677529.2), dbSNP rs73152881, ClinGen allele CA166870848.